The following is an entry in ClinVar:

ClinVar aggregate classification (germline): Benign. Review status: criteria provided, multiple submitters, no conflicts (2 of 4 stars). 4 submissions from 4 submitters: Benign (3). 1 of the submissions does not count toward it. Last evaluated 2026-02-02.

Conditions:
SCARB1-related disorder. Also called: SCARB1-related condition.

Allele frequency attached by ClinVar (database versions not stated): gnomAD exomes 0.00885; ExAC 0.01059; 1000 Genomes Project 0.03215; gnomAD 0.03439 and 0.03713; 1000 Genomes Project 30x 0.03576; TOPMed 0.03866; ESP Exome Variant Server 0.04029.
gnomAD v4.1: 10,610 of 1,612,848 alleles (0.66%); highest among the groups gnomAD compares: African/African-American, 12%; 587 homozygotes.

Submissions (4):

Labcorp Genetics (formerly Invitae), Labcorp
Classification: Benign. Last evaluated: 2026-02-02. Review status: criteria provided, single submitter. Criteria: Invitae Variant Classification Sherloc (09022015). Collection method: clinical testing. Allele origin: germline.

GeneDx
Classification: Benign. Last evaluated: 2018-10-01. Review status: criteria provided, single submitter. Criteria: GeneDx Variant Classification Process June 2021. Collection method: clinical testing. Allele origin: germline. Affected: yes.

Breakthrough Genomics
Classification: Benign. Review status: criteria provided, single submitter. Criteria: ACMG Guidelines, 2015. Collection method: not provided. Allele origin: germline. Inheritance: Unknown mechanism. Affected: yes.

PreventionGenetics, part of Exact Sciences
Classification: Benign for SCARB1-related condition. Last evaluated: 2019-09-17. Review status: no assertion criteria provided. Collection method: clinical testing. Allele origin: germline. Not counted in ClinVar's aggregate classification.
Comment: This variant is classified as benign based on ACMG/AMP sequence variant interpretation guidelines (Richards et al. 2015 PMID: 25741868, with internal and published modifications).

NM_005505.5(SCARB1):c.1129-7G>A

Genes: SCARB1 (scavenger receptor class B member 1; minus strand), LOC129390586 (MPRA-validated peak2031 silencer; plus strand). Cytogenetic location: 12q24.31.
Variant type: single nucleotide variant.
Coding change: c.1129-7G>A on transcript NM_005505.5 (MANE Select); 7 bases into the intron before coding-DNA position 1129, G replaced by A.
Molecular consequence: intron variant.
Genome position (GRCh38, 1-based): chr12:124,795,275, C>T on the plus strand (G>A on the coding strand, the complement: SCARB1 is on the minus strand). VCF-style: chr12-124795275-C-T. GRCh37 (hg19) VCF-style: chr12-125279821-C-T.
Other names: c.1129-7G>A (NM_005505.4, NM_001367986.1, NM_001082959.2 and 4 more transcripts); c.727-7G>A (NM_001367988.1); c.1105-7G>A (NM_001367985.1); c.1005-7818G>A (NM_001367987.1); c.1006-7G>A (NM_001367982.1).
Identifiers: ClinVar variation 1270257 (VCV001270257.12), dbSNP rs10396210, ClinGen allele CA6870312.